The following is an entry in ClinVar:

NM_014272.5(ADAMTS7):c.3286C>A (p.Pro1096Thr)

Gene: ADAMTS7 (ADAM metallopeptidase with thrombospondin type 1 motif 7; minus strand). Cytogenetic location: 15q25.1.
Variant type: single nucleotide variant.
Coding change: c.3286C>A on transcript NM_014272.5 (MANE Select); coding-DNA position 3286, C replaced by A.
Protein change: p.Pro1096Thr; replaces proline 1096 with threonine.
Molecular consequence: missense variant.
Genome position (GRCh38, 1-based): chr15:78,766,625, G>T on the plus strand (C>A on the coding strand, the complement: ADAMTS7 is on the minus strand). VCF-style: chr15-78766625-G-T. GRCh37 (hg19) VCF-style: chr15-79058967-G-T.
Other names: short protein forms P1096T.
Identifiers: ClinVar variation 2645617 (VCV002645617.24), dbSNP rs147739185, ClinGen allele CA7685819.

ClinVar aggregate classification (germline): Likely benign (1 of 4 stars; one submission).

Allele frequency attached by ClinVar (database versions not stated): 1000 Genomes Project 30x 0.00297; 1000 Genomes Project 0.00300; ESP Exome Variant Server 0.00495; TOPMed 0.00497.
gnomAD v4.1: 13,048 of 1,608,352 alleles (0.81%); highest among the groups gnomAD compares: Non-Finnish European, 0.96%; 112 homozygotes.

Submission:

CeGaT Center for Human Genetics Tuebingen
Classification: Likely benign. Last evaluated: 2023-03-01. Review status: criteria provided, single submitter. Criteria: CeGaT Center For Human Genetics Tuebingen Variant Classification Criteria Version 2. Collection method: clinical testing. Allele origin: germline. Affected: yes. Observed: 2 variant alleles.
Comment: ADAMTS7: BP4, BS2